The following is an entry in ClinVar:

NM_004700.4(KCNQ4):c.262T>G (p.Tyr88Asp)

Gene: KCNQ4 (potassium voltage-gated channel subfamily Q member 4; plus strand). Cytogenetic location: 1p34.2.
Variant type: single nucleotide variant.
Coding change: c.262T>G on transcript NM_004700.4 (MANE Select); coding-DNA position 262, T replaced by G.
Protein change: p.Tyr88Asp; replaces tyrosine 88 with aspartic acid.
Molecular consequence: missense variant.
Genome position (GRCh38, 1-based): chr1:40,784,355, T>G. VCF-style: chr1-40784355-T-G. GRCh37 (hg19) VCF-style: chr1-41250027-T-G.
Other names: c.262T>G, p.Tyr88Asp (NM_172163.3); short protein forms Y88D.
Identifiers: ClinVar variation 4795309 (VCV004795309.1).
Genomic context (GRCh38, chr1:40,784,355, plus strand): 5'-GCCTGCGGCCAGCGCTCCTCGGCCGCGCACAAGCGCTACCGCCGCCTGCAGAACTGGGTC[T>G]ACAACGTGCTGGAGCGGCCCCGCGGCTGGGCCTTCGTCTACCACGTCTTCATGTGAGTTT-3'
Protein context (NP_004691.2, residues 78-98): KRYRRLQNWV[Tyr88Asp]NVLERPRGWA

ClinVar aggregate classification (germline): Uncertain significance (1 of 4 stars; one submission).

Submission:

GeneDx
Classification: Uncertain significance. Last evaluated: 2025-08-16. Review status: criteria provided, single submitter. Criteria: GeneDx Variant Classification Process June 2021. Collection method: clinical testing. Allele origin: germline. Affected: yes.
Comment: Not observed at significant frequency in large population cohorts (gnomAD); In silico analysis supports that this missense variant has a deleterious effect on protein structure/function; Has not been previously published as pathogenic or benign to our knowledge